The following is an entry in ClinVar:

ClinVar aggregate classification (germline): Uncertain significance (1 of 4 stars; one submission).

Conditions:
Hereditary cancer-predisposing syndrome. Also called: Hereditary neoplastic syndrome; Neoplastic Syndromes, Hereditary; Tumor predisposition; Hereditary Cancer Syndrome. Identifiers: Orphanet 140162, MedGen C0027672, MeSH D009386, MONDO:0015356.

Submission:

Ambry Genetics
Classification: Uncertain significance for Hereditary cancer-predisposing syndrome. Last evaluated: 2025-06-21. Review status: criteria provided, single submitter. Criteria: Ambry Variant Classification Scheme 2023. Collection method: clinical testing. Allele origin: germline.
Comment: The p.S314T variant (also known as c.941G>C), located in coding exon 7 of the POT1 gene, results from a G to C substitution at nucleotide position 941. The serine at codon 314 is replaced by threonine, an amino acid with similar properties. This amino acid position is conserved. In addition, this alteration is predicted to be tolerated by in silico analysis. Based on the available evidence, the clinical significance of this variant remains unclear.

NM_015450.3(POT1):c.941G>C (p.Ser314Thr)

Gene: POT1 (protection of telomeres 1; minus strand). Cytogenetic location: 7q31.33.
Variant type: single nucleotide variant.
Coding change: c.941G>C on transcript NM_015450.3 (MANE Select); coding-DNA position 941, G replaced by C.
Protein change: p.Ser314Thr; replaces serine 314 with threonine.
Molecular consequence: missense variant. On other transcripts: non-coding transcript variant (3).
Genome position (GRCh38, 1-based): chr7:124,851,880, C>G on the plus strand (G>C on the coding strand, the complement: POT1 is on the minus strand). VCF-style: chr7-124851880-C-G. GRCh37 (hg19) VCF-style: chr7-124491934-C-G.
Other names: c.548G>C, p.Ser183Thr (NM_001042594.2); short protein forms S183T, S314T.
Identifiers: ClinVar variation 4141922 (VCV004141922.1).